The following is an entry in ClinVar:

ClinVar aggregate classification (germline): Uncertain significance. Review status: criteria provided, multiple submitters, no conflicts (2 of 4 stars). 4 submissions from 4 submitters: Uncertain significance (4). Last evaluated 2025-04-28.

Conditions:
Inborn genetic diseases. Identifiers: MedGen C0950123, MeSH D030342.
Left ventricular noncompaction 8 (LVNC8). Identifiers: Orphanet 154, Orphanet 54260, MedGen C3809288, MONDO:0014152, OMIM 615373.

Allele frequency attached by ClinVar (database versions not stated): gnomAD exomes 0.00003 and 0.00004; TOPMed 0.00003.
gnomAD v4.1: 68 of 1,612,276 alleles (0.0042%); highest among the groups gnomAD compares: Non-Finnish European, 0.0053%; 1 homozygote.

Submissions (4):

Ambry Genetics
Classification: Uncertain significance for Inborn genetic diseases. Last evaluated: 2025-04-28. Review status: criteria provided, single submitter. Criteria: Ambry Variant Classification Scheme 2023. Collection method: clinical testing. Allele origin: germline.

Labcorp Genetics (formerly Invitae), Labcorp
Classification: Uncertain significance for Left ventricular noncompaction 8. Last evaluated: 2025-04-27. Review status: criteria provided, single submitter. Criteria: Invitae Variant Classification Sherloc (09022015). Collection method: clinical testing. Allele origin: germline.
Comment: This sequence change replaces glutamic acid, which is acidic and polar, with aspartic acid, which is acidic and polar, at codon 88 of the PRDM16 protein (p.Glu88Asp). This variant is present in population databases (no rsID available, gnomAD 0.007%). This variant has not been reported in the literature in individuals affected with PRDM16-related conditions. ClinVar contains an entry for this variant (Variation ID: 963075). An algorithm developed to predict the effect of missense changes on protein structure and function (PolyPhen-2) suggests that this variant is likely to be disruptive. In summary, the available evidence is currently insufficient to determine the role of this variant in disease. Therefore, it has been classified as a Variant of Uncertain Significance.

GeneDx
Classification: Uncertain significance. Last evaluated: 2024-07-23. Review status: criteria provided, single submitter. Criteria: GeneDx Variant Classification Process June 2021. Collection method: clinical testing. Allele origin: germline. Affected: yes.
Comment: Has not been previously published as pathogenic or benign to our knowledge; In silico analysis indicates that this missense variant does not alter protein structure/function

Fulgent Genetics
Classification: Uncertain significance for Left ventricular noncompaction 8. Last evaluated: 2022-01-18. Review status: criteria provided, single submitter. Criteria: ACMG Guidelines, 2015. Collection method: clinical testing. Allele origin: unknown.

NM_022114.4(PRDM16):c.264G>T (p.Glu88Asp)

Gene: PRDM16 (PR/SET domain 16; plus strand). Cytogenetic location: 1p36.32.
Variant type: single nucleotide variant.
Coding change: c.264G>T on transcript NM_022114.4 (MANE Select); coding-DNA position 264, G replaced by T.
Protein change: p.Glu88Asp; replaces glutamic acid 88 with aspartic acid.
Molecular consequence: missense variant.
Genome position (GRCh38, 1-based): chr1:3,186,351, G>T. VCF-style: chr1-3186351-G-T. GRCh37 (hg19) VCF-style: chr1-3102915-G-T.
Other names: c.264G>T, p.Glu88Asp (NM_199454.3); short protein forms E88D.
Identifiers: ClinVar variation 963075 (VCV000963075.14), dbSNP rs945163627, ClinGen allele CA17293998.